The following is an entry in ClinVar:

NM_022168.4(IFIH1):c.1379A>G (p.His460Arg)

Gene: IFIH1 (interferon induced with helicase C domain 1; minus strand). Cytogenetic location: 2q24.2.
Variant type: single nucleotide variant.
Coding change: c.1379A>G on transcript NM_022168.4 (MANE Select); coding-DNA position 1379, A replaced by G.
Protein change: p.His460Arg; replaces histidine 460 with arginine.
Molecular consequence: missense variant.
Genome position (GRCh38, 1-based): chr2:162,281,473, T>C on the plus strand (A>G on the coding strand, the complement: IFIH1 is on the minus strand). VCF-style: chr2-162281473-T-C. GRCh37 (hg19) VCF-style: chr2-163137983-T-C.
Other names: p.His460Arg; short protein forms H460R.
Identifiers: ClinVar variation 1170345 (VCV001170345.18), dbSNP rs10930046, ClinGen allele CA1934538.
Genomic context (GRCh38, chr2:162,281,473, plus strand): 5'-GGAATCACTGGTTTGTTTTCTTTCTTGAGTCTATTGTTTTTCAACTTCTGCATCAAATAA[T>C]GCCTCATGATGTTATTATACACTGCTTCTTTGTTGGTGTGATGACATTCATCAATGATAA-3'
Protein context (NP_071451.2, residues 450-470): KEAVYNNIMR[His460Arg]YLMQKLKNNR

ClinVar aggregate classification (germline): Benign/Likely benign. Review status: criteria provided, multiple submitters, no conflicts (2 of 4 stars). 7 submissions from 7 submitters: Benign (5); Likely benign (2). Last evaluated 2026-02-04.

Conditions:
Aicardi-Goutieres syndrome 7 (AGS7). Identifiers: Orphanet 51, MedGen C3888244, MONDO:0014367, OMIM 615846.
Singleton-Merten syndrome 1 (SGMRT1). Also called: Widened medullary cavities of bone, aortic calcification, abnormal dentition, and muscular weakness; Syndrome of widened medullary cavities of the metacarpals and phalanges, aortic calcification and abnormal dentition. Identifiers: Orphanet 85191, MedGen C4225427, MONDO:0024535, OMIM 182250.

Allele frequency attached by ClinVar (database versions not stated): ExAC 0.09334; gnomAD exomes 0.09666; ESP Exome Variant Server 0.14995; TOPMed 0.18825; 1000 Genomes Project 0.19369; 1000 Genomes Project 30x 0.20300.
gnomAD v4.1: 76,582 of 1,611,932 alleles (4.8%); highest among the groups gnomAD compares: African/African-American, 42%; 10,719 homozygotes.

Submissions (7):

Labcorp Genetics (formerly Invitae), Labcorp
Classification: Benign for Aicardi-Goutieres syndrome 7; Singleton-Merten syndrome 1. Last evaluated: 2026-02-04. Review status: criteria provided, single submitter. Criteria: Invitae Variant Classification Sherloc (09022015). Collection method: clinical testing. Allele origin: germline.

Women's Health and Genetics/Laboratory Corporation of America, LabCorp
Classification: Likely benign. Last evaluated: 2026-01-21. Review status: criteria provided, single submitter. Criteria: LabCorp Variant Classification Summary - May 2015. Collection method: clinical testing. Allele origin: germline.

Blueprint Genetics
Classification: Likely benign. Last evaluated: 2024-11-26. Review status: criteria provided, single submitter. Criteria: ACMG Guidelines, 2015. Collection method: clinical testing. Allele origin: germline.

Unidad de Genómica Garrahan, Hospital de Pediatría Garrahan
Classification: Benign. Last evaluated: 2023-11-12. Review status: criteria provided, single submitter. Criteria: ACMG Guidelines, 2015. Collection method: clinical testing. Allele origin: germline. Affected: no. Observed: 48 variant alleles.
Comment: This variant is classified as Benign based on local population frequency. This variant was detected in 50% of patients studied by a panel of primary immunodeficiencies. Number of patients: 48. Only high quality variants are reported.

Mayo Clinic Laboratories, Mayo Clinic
Classification: Benign. Last evaluated: 2023-08-28. Review status: criteria provided, single submitter. Criteria: ACMG Guidelines, 2015. Collection method: clinical testing. Allele origin: germline. Observed: 97 variant alleles.
Comment: BA1, BS2, BP4_strong

GeneDx
Classification: Benign. Last evaluated: 2021-04-03. Review status: criteria provided, single submitter. Criteria: GeneDx Variant Classification Process June 2021. Collection method: clinical testing. Allele origin: germline. Affected: yes.
Comment: This variant is associated with the following publications: (PMID: 23441136)

Breakthrough Genomics
Classification: Benign. Review status: criteria provided, single submitter. Criteria: ACMG Guidelines, 2015. Collection method: not provided. Allele origin: germline. Inheritance: Autosomal recessive inheritance. Affected: yes.

Literature cited by the submitters: PubMed 23441136 (cited by Mayo Clinic Laboratories, Mayo Clinic).